The following is an entry in ClinVar:

ClinVar aggregate classification (germline): Conflicting classifications of pathogenicity. Review status: criteria provided, conflicting classifications (1 of 4 stars). 8 submissions from 4 submitters: Uncertain significance (3); Benign (2); Likely benign (3). Last evaluated 2026-01-21.

Conditions:
Brachydactyly. Also called: Brachydactyly syndrome; Brachydactyly (disease). Identifiers: MedGen C0221357, MONDO:0021004, HP:0001156.
Acromesomelic dysplasia 2C, Hunter-Thompson type. Also called: Acromesomelic dysplasia, Hunter-Thompson type. Identifiers: Orphanet 968, MedGen C2930970, MONDO:0008717, OMIM 201250.
Grebe syndrome. Also called: ACROMESOMELIC DYSPLASIA, GREBE TYPE; GREBE DYSPLASIA; ACROMESOMELIC DYSPLASIA 2A. Identifiers: Orphanet 2098, MedGen C0265260, MONDO:0008703, OMIM 200700.
Acromesomelic dysplasia 2B. Also called: DU PAN SYNDROME. Identifiers: Orphanet 2639, MedGen C1856738, MONDO:0009231, OMIM 228900.
Multiple synostoses syndrome 2 (SYNS2). Identifiers: Orphanet 3237, MedGen C1832708, MONDO:0012394, OMIM 610017.

Allele frequency attached by ClinVar (database versions not stated): 1000 Genomes Project 30x 0.00016; TOPMed 0.00017; 1000 Genomes Project 0.00020; gnomAD exomes 0.00021 and 0.00047; ESP Exome Variant Server 0.00023; gnomAD 0.00025; ExAC 0.00026.
gnomAD v4.1: 701 of 1,591,676 alleles (0.044%); highest among the groups gnomAD compares: Non-Finnish European, 0.057%; 1 homozygote.

Submissions (8):

Labcorp Genetics (formerly Invitae), Labcorp
Classification: Likely benign. Last evaluated: 2026-01-21. Review status: criteria provided, single submitter. Criteria: Invitae Variant Classification Sherloc (09022015). Collection method: clinical testing. Allele origin: germline.

CeGaT Center for Human Genetics Tuebingen
Classification: Likely benign. Last evaluated: 2025-12-01. Review status: criteria provided, single submitter. Criteria: CeGaT Center For Human Genetics Tuebingen Variant Classification Criteria Version 2. Collection method: clinical testing. Allele origin: germline. Affected: yes. Observed: 2 variant alleles.
Comment: GDF5: BP4, BP7; GDF5-AS1: BP4, BP7

GeneDx
Classification: Likely benign. Last evaluated: 2018-01-24. Review status: criteria provided, single submitter. Criteria: GeneDx Variant Classification (06012015). Collection method: clinical testing. Allele origin: germline. Affected: yes.
Comment: This variant is considered likely benign or benign based on one or more of the following criteria: it is a conservative change, it occurs at a poorly conserved position in the protein, it is predicted to be benign by multiple in silico algorithms, and/or has population frequency not consistent with disease.

Illumina Laboratory Services, Illumina
Classification: Uncertain significance for Acromesomelic dysplasia 2C, Hunter-Thompson type. Last evaluated: 2018-01-13. Review status: criteria provided, single submitter. Criteria: ICSL Variant Classification Criteria 13 December 2019. Collection method: clinical testing. Allele origin: germline.

Illumina Laboratory Services, Illumina
Classification: Uncertain significance for Grebe syndrome. Last evaluated: 2018-01-13. Review status: criteria provided, single submitter. Criteria: ICSL Variant Classification Criteria 13 December 2019. Collection method: clinical testing. Allele origin: germline.

Illumina Laboratory Services, Illumina
Classification: Benign for Multiple synostoses syndrome 2. Last evaluated: 2018-01-13. Review status: criteria provided, single submitter. Criteria: ICSL Variant Classification Criteria 13 December 2019. Collection method: clinical testing. Allele origin: germline.
Comment: This variant was observed in the ICSL laboratory as part of a predisposition screen in an ostensibly healthy population. It had not been previously curated by ICSL or reported in the Human Gene Mutation Database (HGMD: prior to June 1st, 2018), and was therefore a candidate for classification through an automated scoring system. Utilizing variant allele frequency, disease prevalence and penetrance estimates, and inheritance mode, an automated score was calculated to assess if this variant is too frequent to cause the disease. Based on the score and internal cut-off values, a variant classified as benign is not then subjected to further curation. The score for this variant resulted in a classification of benign for this disease.

Illumina Laboratory Services, Illumina
Classification: Benign for Brachydactyly. Last evaluated: 2018-01-13. Review status: criteria provided, single submitter. Criteria: ICSL Variant Classification Criteria 13 December 2019. Collection method: clinical testing. Allele origin: germline.
Comment: the same text as in the submission from Illumina Laboratory Services, Illumina above.

Illumina Laboratory Services, Illumina
Classification: Uncertain significance for Fibular hypoplasia and complex brachydactyly. Last evaluated: 2018-01-13. Review status: criteria provided, single submitter. Criteria: ICSL Variant Classification Criteria 13 December 2019. Collection method: clinical testing. Allele origin: germline.

NM_000557.5(GDF5):c.855C>T (p.Gly285=)

Genes: GDF5 (growth differentiation factor 5; minus strand), GDF5-AS1 (GDF5 antisense RNA 1; plus strand). Cytogenetic location: 20q11.22.
Variant type: single nucleotide variant.
Coding change: c.855C>T on transcript NM_000557.5 (MANE Select); coding-DNA position 855, C replaced by T.
Protein change: p.Gly285=; no amino-acid change (glycine 285 retained).
Molecular consequence: synonymous variant. On other transcripts: non-coding transcript variant (1).
Genome position (GRCh38, 1-based): chr20:35,434,560, G>A on the plus strand (C>T on the coding strand, the complement: GDF5 is on the minus strand). VCF-style: chr20-35434560-G-A. GRCh37 (hg19) VCF-style: chr20-34022358-G-A.
Other names: c.855C>T, p.Gly285= (NM_001319138.2).
Identifiers: ClinVar variation 338320 (VCV000338320.44), dbSNP rs149593773, ClinGen allele CA9832218.